The following is an entry in ClinVar:

NM_002805.6(PSMC5):c.959C>G (p.Pro320Arg)

Gene: PSMC5 (proteasome 26S subunit, ATPase 5; plus strand). Cytogenetic location: 17q23.3.
Variant type: single nucleotide variant.
Coding change: c.959C>G on transcript NM_002805.6 (MANE Select); coding-DNA position 959, C replaced by G.
Protein change: p.Pro320Arg; replaces proline 320 with arginine.
Molecular consequence: missense variant.
Genome position (GRCh38, 1-based): chr17:63,831,415, C>G. VCF-style: chr17-63831415-C-G. GRCh37 (hg19) VCF-style: chr17-61908775-C-G.
Other names: c.935C>G, p.Pro312Arg (NM_001199163.2); short protein forms P320R, P312R.
Identifiers: ClinVar variation 3899901 (VCV003899901.6).

ClinVar aggregate classification (germline): Pathogenic/Likely pathogenic. Review status: criteria provided, multiple submitters, no conflicts (2 of 4 stars). 4 submissions from 4 submitters: Pathogenic (2); Likely pathogenic (1). 1 of the submissions does not count toward it. Last evaluated 2025-08-29.

Conditions:
PSMC5-related Neurodevelopmental proteasomopathy.
YU-KURY NEURODEVELOPMENTAL SYNDROME (YKNS). Identifiers: MedGen CN381608, OMIM 621565.
Neurodevelopmental disorders.
Neurodevelopmental disorder. Identifiers: MedGen C1535926, MeSH D065886, MONDO:0700092.

Submissions (4):

Victorian Clinical Genetics Services, Murdoch Childrens Research Institute
Classification: Pathogenic for Neurodevelopmental disorder. Last evaluated: 2025-08-29. Review status: criteria provided, single submitter. Criteria: ACMG Guidelines, 2015. Collection method: clinical testing. Allele origin: germline. Affected: yes.
Comment: This variant is classified as Pathogenic. Evidence in support of pathogenic classification: Variant is absent from gnomAD (v2, v3 and v4); This variant has strong previous evidence of pathogenicity in unrelated individuals. This variant has been classified as likely pathogenic by a clinical laboratory in ClinVar, and reported in the literature as occurring de novo in four individuals with a neurodevelopmental disorder (PMID: 38776958). It has also been reported as de novo in two individuals in DECIPHER; Missense variant predicted to be damaging by in silico tool(s) or highly conserved with a major amino acid change; Additional information: Variant is predicted to result in a missense amino acid change from Pro to Arg; This variant is heterozygous; This gene is associated with autosomal dominant disease; Alternative amino acid change(s) at the same position are present in gnomAD (v4: 8 heterozygote(s), 0 homozygote(s)); The mechanism of disease for this gene is not clearly established.

Oasi Research Institute-IRCCS
Classification: Pathogenic for Neurodevelopmental disorders. Last evaluated: 2025-06-06. Review status: criteria provided, single submitter. Criteria: ACMG Guidelines, 2015. Collection method: clinical testing. Allele origin: de novo. Inheritance: Autosomal dominant inheritance. Affected: yes. Observed: 1 heterozygote.
Comment: This variant results in the substitution of proline with arginine at the 320th amino acid position of the PSMC5 protein (p.Pro320Arg). The variant was classified according to the ACMG criteria PP3, PM2, PP2 and PS2 as pathogenic. Multiple in-silico algorithms classified the genetic variant as pathogenic strong (AlphaMissense: 0.996; Mutation assessor: 4.180; SIFT: 0.00; MutPred: 0.858; PrimateAI: 0.898). PhyloP conservation score was of 7.905, indicating a strong conservation of the mutated nucleotide. This variant has been recently submitted in ClinVar (25 May 2025) as VUS.

3billion
Classification: Likely pathogenic for PSMC5-related Neurodevelopmental proteasomopathy. Last evaluated: 2025-03-31. Review status: criteria provided, single submitter. Criteria: ACMG Guidelines, 2015. Collection method: clinical testing. Allele origin: germline. Affected: yes.

OMIM
Classification: Pathogenic for YU-KURY NEURODEVELOPMENTAL SYNDROME. Last evaluated: 2026-04-16. Review status: no assertion criteria provided. Collection method: literature only. Allele origin: germline. Not counted in ClinVar's aggregate classification.

Literature cited by the submitters: PubMed 38776958 (cited by Victorian Clinical Genetics Services, Murdoch Childrens Research Institute and OMIM); PubMed 38293138 (cited by 3billion); Kury, S. Personal Communication. 2026. Nantes, France (cited by OMIM); PubMed 41298377 (cited by OMIM); PubMed 40650163 (cited by OMIM).